The following is an entry in ClinVar:

ClinVar aggregate classification (germline): Uncertain significance (1 of 4 stars; one submission).

Submission:

Labcorp Genetics (formerly Invitae), Labcorp
Classification: Uncertain significance. Last evaluated: 2023-10-07. Review status: criteria provided, single submitter. Criteria: Invitae Variant Classification Sherloc (09022015). Collection method: clinical testing. Allele origin: germline.
Comment: This sequence change replaces serine, which is neutral and polar, with tyrosine, which is neutral and polar, at codon 2033 of the FN1 protein (p.Ser2033Tyr). This variant is not present in population databases (gnomAD no frequency). This variant has not been reported in the literature in individuals affected with FN1-related conditions. An algorithm developed to predict the effect of missense changes on protein structure and function (PolyPhen-2) suggests that this variant is likely to be tolerated. Algorithms developed to predict the effect of sequence changes on RNA splicing suggest that this variant may create or strengthen a splice site. In summary, the available evidence is currently insufficient to determine the role of this variant in disease. Therefore, it has been classified as a Variant of Uncertain Significance.

NM_212482.4(FN1):c.6098C>A (p.Ser2033Tyr)

Gene: FN1 (fibronectin 1; minus strand). Cytogenetic location: 2q35.
Variant type: single nucleotide variant.
Coding change: c.6098C>A on transcript NM_212482.4 (MANE Select); coding-DNA position 6098, C replaced by A.
Protein change: p.Ser2033Tyr; replaces serine 2033 with tyrosine.
Molecular consequence: missense variant.
Genome position (GRCh38, 1-based): chr2:215,375,273, G>T on the plus strand (C>A on the coding strand, the complement: FN1 is on the minus strand). VCF-style: chr2-215375273-G-T. GRCh37 (hg19) VCF-style: chr2-216239996-G-T.
Other names: c.6098C>A, p.Ser2033Tyr (NM_001306129.2); c.5828C>A, p.Ser1943Tyr (NM_001306130.2, NM_001365517.2, NM_001365519.2 and 2 more transcripts); c.5555C>A, p.Ser1852Tyr (NM_001306131.2, NM_001306132.2, NM_001365523.2 and 2 more transcripts); c.5825C>A, p.Ser1942Tyr (NM_001365518.2, NM_001365520.2, NM_001365524.2 and 2 more transcripts); short protein forms S1943Y, S1852Y, S1942Y, S2033Y.
Identifiers: ClinVar variation 2766703 (VCV002766703.3), dbSNP rs1420522193, ClinGen allele CA350469914.